The following is an entry in ClinVar:

ClinVar aggregate classification (germline): Conflicting classifications of pathogenicity. Review status: criteria provided, conflicting classifications (1 of 4 stars). 6 submissions from 6 submitters: Uncertain significance (2); Likely benign (2). 2 of the submissions do not count toward it. Last evaluated 2026-01-11.

Conditions:
PKHD1-related disorder. Also called: PKHD1-related condition.
Autosomal recessive polycystic kidney disease (ARPKD). Also called: AR polycystic kidney disease. Identifiers: Orphanet 731, Orphanet 8378, MedGen C0085548, MeSH D017044, MONDO:0009889.

Allele frequency attached by ClinVar (database versions not stated): ExAC 0.00005; gnomAD 0.00009; TOPMed 0.00012; ESP Exome Variant Server 0.00015.
gnomAD v4.1: 315 of 1,614,046 alleles (0.02%); highest among the groups gnomAD compares: Non-Finnish European, 0.025%; no homozygotes.

Submissions (6):

Labcorp Genetics (formerly Invitae), Labcorp
Classification: Likely benign for Autosomal recessive polycystic kidney disease. Last evaluated: 2026-01-11. Review status: criteria provided, single submitter. Criteria: Invitae Variant Classification Sherloc (09022015). Collection method: clinical testing. Allele origin: germline.

Blueprint Genetics
Classification: Likely benign. Last evaluated: 2024-07-22. Review status: criteria provided, single submitter. Criteria: ACMG Guidelines, 2015. Collection method: clinical testing. Allele origin: germline.

Illumina Laboratory Services, Illumina
Classification: Uncertain significance for Polycystic kidney disease 4. Last evaluated: 2018-01-13. Review status: criteria provided, single submitter. Criteria: ICSL Variant Classification Criteria 13 December 2019. Collection method: clinical testing. Allele origin: germline.

Eurofins Ntd Llc (ga)
Classification: Uncertain significance. Last evaluated: 2017-01-12. Review status: criteria provided, single submitter. Criteria: EGL Classification Definitions 2015. Collection method: clinical testing. Allele origin: germline. Observed: 1 variant allele, 1 heterozygote.

PreventionGenetics, part of Exact Sciences
Classification: Likely benign for PKHD1-related condition. Last evaluated: 2022-11-02. Review status: no assertion criteria provided. Collection method: clinical testing. Allele origin: germline. Not counted in ClinVar's aggregate classification.
Comment: This variant is classified as likely benign based on ACMG/AMP sequence variant interpretation guidelines (Richards et al. 2015 PMID: 25741868, with internal and published modifications).

Natera, Inc.
Classification: Uncertain significance for Autosomal recessive polycystic kidney disease. Last evaluated: 2018-09-16. Review status: no assertion criteria provided. Collection method: clinical testing. Allele origin: germline. Not counted in ClinVar's aggregate classification.

NM_138694.4(PKHD1):c.5193G>A (p.Val1731=)

Genes: PKHD1 (PKHD1 ciliary IPT domain containing fibrocystin/polyductin; minus strand), LOC126859690 (MED14-independent group 3 enhancer GRCh37_chr6:51888848-51890047; plus strand). Cytogenetic location: 6p12.2.
Variant type: single nucleotide variant.
Coding change: c.5193G>A on transcript NM_138694.4 (MANE Select); coding-DNA position 5193, G replaced by A.
Protein change: p.Val1731=; no amino-acid change (valine 1731 retained).
Molecular consequence: synonymous variant.
Genome position (GRCh38, 1-based): chr6:52,024,617, C>T on the plus strand (G>A on the coding strand, the complement: PKHD1 is on the minus strand). VCF-style: chr6-52024617-C-T. GRCh37 (hg19) VCF-style: chr6-51889415-C-T.
Other names: c.5193G>A, p.Val1731= (NM_170724.3).
Identifiers: ClinVar variation 499807 (VCV000499807.24), dbSNP rs146531432, ClinGen allele CA3852594.